The following is an entry in ClinVar:

NM_001127222.2(CACNA1A):c.2425C>T (p.Arg809Trp)

Gene: CACNA1A (calcium voltage-gated channel subunit alpha1 A; minus strand). Cytogenetic location: 19p13.13.
Variant type: single nucleotide variant.
Coding change: c.2425C>T on transcript NM_001127222.2 (MANE Select); coding-DNA position 2425, C replaced by T.
Protein change: p.Arg809Trp; replaces arginine 809 with tryptophan.
Molecular consequence: missense variant.
Genome position (GRCh38, 1-based): chr19:13,299,208, G>A on the plus strand (C>T on the coding strand, the complement: CACNA1A is on the minus strand). VCF-style: chr19-13299208-G-A. GRCh37 (hg19) VCF-style: chr19-13410022-G-A.
Other names: c.2437C>T, p.Arg813Trp (NM_000068.4, NM_023035.3); c.2428C>T, p.Arg810Trp (NM_001127221.2, NM_001174080.2); short protein forms R809W, R810W, R813W.
Identifiers: ClinVar variation 3763283 (VCV003763283.2).

ClinVar aggregate classification (germline): Uncertain significance (1 of 4 stars; one submission).

Conditions:
Episodic ataxia type 2 (EA2). Also called: ATAXIA, EPISODIC, WITH NYSTAGMUS; ATAXIA, FAMILIAL PAROXYSMAL; ACETAZOLAMIDE-RESPONSIVE HEREDITARY PAROXYSMAL CEREBELLAR ATAXIA; CEREBELLAR ATAXIA, PAROXYSMAL, ACETAZOLAMIDE-RESPONSIVE; CEREBELLOPATHY, HEREDITARY PAROXYSMAL; EPISODIC ATAXIA, NYSTAGMUS-ASSOCIATED. Identifiers: Orphanet 97, MedGen C1720416, MONDO:0007163, OMIM 108500.
Developmental and epileptic encephalopathy, 42 (DEE42A). Also called: Epileptic encephalopathy, early infantile, 42; DEVELOPMENTAL AND EPILEPTIC ENCEPHALOPATHY 42A; EPILEPTIC ENCEPHALOPATHY, EARLY INFANTILE, 42A. Identifiers: MedGen C4310716, MONDO:0014917, OMIM 617106.

gnomAD v4.1: 1 of 1,612,018 alleles (0.000062%); highest among the groups gnomAD compares: Non-Finnish European, 0.000085%; no homozygotes.

Submission:

Labcorp Genetics (formerly Invitae), Labcorp
Classification: Uncertain significance for Developmental and epileptic encephalopathy, 42; Episodic ataxia type 2. Last evaluated: 2025-07-14. Review status: criteria provided, single submitter. Criteria: Invitae Variant Classification Sherloc (09022015). Collection method: clinical testing. Allele origin: germline.
Comment: This sequence change replaces arginine, which is basic and polar, with tryptophan, which is neutral and slightly polar, at codon 810 of the CACNA1A protein (p.Arg810Trp). This variant is not present in population databases (gnomAD no frequency). This variant has not been reported in the literature in individuals affected with CACNA1A-related conditions. ClinVar contains an entry for this variant (Variation ID: 3763283). Invitae Evidence Modeling of protein sequence and biophysical properties (such as structural, functional, and spatial information, amino acid conservation, physicochemical variation, residue mobility, and thermodynamic stability) indicates that this missense variant is not expected to disrupt CACNA1A protein function with a negative predictive value of 95%. In summary, the available evidence is currently insufficient to determine the role of this variant in disease. Therefore, it has been classified as a Variant of Uncertain Significance.